The following is an entry in ClinVar:

ClinVar aggregate classification (germline): Uncertain significance (1 of 4 stars; one submission).

gnomAD v4.1: 6 of 1,612,640 alleles (0.00037%); highest among the groups gnomAD compares: South Asian, 0.0022%; no homozygotes.

Submission:

Ambry Genetics
Classification: Uncertain significance. Last evaluated: 2026-08-19. Review status: criteria provided, single submitter. Criteria: Ambry Variant Classification Scheme 2023. Collection method: clinical testing. Allele origin: germline.
Comment: The p.K134E variant (also known as c.400A>G), located in coding exon 4 of the RASA2 gene, results from an A to G substitution at nucleotide position 400. The lysine at codon 134 is replaced by glutamic acid, an amino acid with similar properties. This amino acid position is conserved. In addition, the in silico prediction for this alteration is inconclusive. Based on the available evidence, the clinical significance of this variant remains unclear.

NM_006506.5(RASA2):c.400A>G (p.Lys134Glu)

Gene: RASA2 (RAS p21 protein activator 2; plus strand). Cytogenetic location: 3q23.
Variant type: single nucleotide variant.
Coding change: c.400A>G on transcript NM_006506.5 (MANE Select); coding-DNA position 400, A replaced by G.
Protein change: p.Lys134Glu; replaces lysine 134 with glutamic acid.
Molecular consequence: missense variant.
Genome position (GRCh38, 1-based): chr3:141,529,752, A>G. VCF-style: chr3-141529752-A-G. GRCh37 (hg19) VCF-style: chr3-141248594-A-G.
Other names: c.400A>G, p.Lys134Glu (NM_001303245.3, NM_001303246.3); short protein forms K134E.
Identifiers: ClinVar variation 5027893 (VCV005027893.1).